The following is an entry in ClinVar:

ClinVar aggregate classification (germline): Conflicting classifications of pathogenicity. Review status: criteria provided, conflicting classifications (1 of 4 stars). 2 submissions from 2 submitters: Uncertain significance (1); Likely benign (1). Last evaluated 2024-09-17.

Submissions (2):

Labcorp Genetics (formerly Invitae), Labcorp
Classification: Uncertain significance. Last evaluated: 2024-09-17. Review status: criteria provided, single submitter. Criteria: Invitae Variant Classification Sherloc (09022015). Collection method: clinical testing. Allele origin: germline.
Comment: This sequence change falls in intron 17 of the C3 gene. It does not directly change the encoded amino acid sequence of the C3 protein. Information on the frequency of this variant in the gnomAD database is not available, as this variant may be reported differently in the database. This variant has not been reported in the literature in individuals affected with C3-related conditions. Experimental studies and prediction algorithms are not available or were not evaluated, and the effect of this variant on mRNA splicing is currently unknown. In summary, the available evidence is currently insufficient to determine the role of this variant in disease. Therefore, it has been classified as a Variant of Uncertain Significance.

Women's Health and Genetics/Laboratory Corporation of America, LabCorp
Classification: Likely benign. Last evaluated: 2023-11-10. Review status: criteria provided, single submitter. Criteria: LabCorp Variant Classification Summary - May 2015. Collection method: clinical testing. Allele origin: germline.
Comment: Variant summary: C3 c.2246-18_2246-17delinsTT alters a nucleotide located at a position not widely known to affect splicing. Several computational tools predict a significant impact on normal splicing: Four predict the variant abolishes a cryptic 3' splicing acceptor site. However, these predictions have yet to be confirmed by functional studies. The variant was absent in 251428 control chromosomes (gnomAD). The available data on variant occurrences in the general population are insufficient to allow any conclusion about variant significance. To our knowledge, no occurrence of c.2246-18_2246-17delinsTT in individuals affected with Genetic Atypical Hemolytic Uremic Syndrome and no experimental evidence demonstrating its impact on protein function have been reported. No submitters have cited clinical-significance assessments for this variant to ClinVar after 2014. Based on the evidence outlined above, the variant was classified as likely benign.

NM_000064.4(C3):c.2246-18_2246-17delinsTT

Gene: C3 (complement C3; minus strand). Cytogenetic location: 19p13.3.
Variant type: Indel.
Coding change: c.2246-18_2246-17delinsTT on transcript NM_000064.4 (MANE Select); 18 bases into the intron before coding-DNA position 2246 through 17 bases into the intron before coding-DNA position 2246, GA replaced by TT.
Molecular consequence: intron variant.
Genome position (GRCh38, 1-based): chr19:6,702,596-6,702,597, TC replaced by AA on the plus strand (GA replaced by TT on the coding strand, the reverse complement: C3 is on the minus strand). VCF-style: chr19-6702596-TC-AA. GRCh37 (hg19) VCF-style: chr19-6702607-TC-AA.
Identifiers: ClinVar variation 2682441 (VCV002682441.4), dbSNP rs2512254213, ClinGen allele CA2697556173.
Genomic context (GRCh38, chr19:6,702,596, plus strand): 5'-GGAAACGATGTTCTCTTCTGCAATGATGTCCTCATCCAGGTTACCTGCAGGGGGTTTAGA[TC>AA]TGCATTTAGAACAGAGCAGGCCAGTTGCCATGGCTCATGCCTGAAATCCCAGCACTTAGG-3'